The following is an entry in ClinVar:

ClinVar aggregate classification (germline): Pathogenic (1 of 4 stars; one submission).

Conditions:
Neurofibromatosis, type 1 (NF1). Also called: VON RECKLINGHAUSEN DISEASE; Peripheral type neurofibromatosis; Neurofibromatosis, type I; NEUROFIBROMATOSIS, TYPE I, SOMATIC. Identifiers: Orphanet 636, MedGen C0027831, MONDO:0018975, OMIM 162200. Disease mechanism: loss of function.

Submissions (2):

Labcorp Genetics (formerly Invitae), Labcorp
Classification: Pathogenic for Neurofibromatosis, type 1. Last evaluated: 2023-09-04. Review status: criteria provided, single submitter. Criteria: Invitae Variant Classification Sherloc (09022015). Collection method: clinical testing. Allele origin: germline.
Comment: For these reasons, this variant has been classified as Pathogenic. Algorithms developed to predict the effect of sequence changes on RNA splicing suggest that this variant may disrupt the consensus splice site. Disruption of this splice site has been observed in individual(s) with neurofibromatosis type 1 (PMID: 16786508). This variant is not present in population databases (gnomAD no frequency). This sequence change affects an acceptor splice site in intron 51 of the NF1 gene. It is expected to disrupt RNA splicing. Variants that disrupt the donor or acceptor splice site typically lead to a loss of protein function (PMID: 16199547), and loss-of-function variants in NF1 are known to be pathogenic (PMID: 10712197, 23913538).

Dr. Peter K. Rogan Lab, Western University
No classification provided (evidence only). Condition: Melanoma. Review status: no classification provided. Collection method: in vitro. Allele origin: not applicable. Functional consequence: skipped exon, retained intron. Not counted in ClinVar's aggregate classification.

Literature cited by the submitters: PubMed 16786508 (cited by Labcorp Genetics (formerly Invitae), Labcorp); PubMed 16199547 (cited by Labcorp Genetics (formerly Invitae), Labcorp); PubMed 10712197 (cited by Labcorp Genetics (formerly Invitae), Labcorp); PubMed 23913538 (cited by Labcorp Genetics (formerly Invitae), Labcorp).

NM_001042492.3(NF1):c.7739-1G>A

Gene: NF1 (neurofibromin 1; plus strand). Cytogenetic location: 17q11.2.
Variant type: single nucleotide variant.
Coding change: c.7739-1G>A on transcript NM_001042492.3 (MANE Select); the canonical splice acceptor site of the intron before coding-DNA position 7739, G replaced by A.
Molecular consequence: splice acceptor variant.
Genome position (GRCh38, 1-based): chr17:31,356,959, G>A. VCF-style: chr17-31356959-G-A. GRCh37 (hg19) VCF-style: chr17-29683977-G-A.
Other names: c.7676-1G>A (NM_000267.4).
Identifiers: ClinVar variation 2823791 (VCV002823791.4), dbSNP rs2151582149, ClinGen allele CA399018299.
Genomic context (GRCh38, chr17:31,356,959, plus strand): 5'-AATAGTTAGGTGAAGTGATTATCCAGGTGTTTGATCACGTTAATTCCCTATCTTGCTGCA[G>A]AAACTCAGAGGATTTCCTCATCACAACAGCACCCACATTTACGTAAAGTTTCAGTGTCTG-3'